The following is an entry in ClinVar:

NM_000179.3(MSH6):c.3202C>A (p.Arg1068=)

Gene: MSH6 (mutS homolog 6; plus strand). Cytogenetic location: 2p16.3.
Variant type: single nucleotide variant.
Coding change: c.3202C>A on transcript NM_000179.3 (MANE Select); coding-DNA position 3202, C replaced by A.
Protein change: p.Arg1068=; no amino-acid change (arginine 1068 retained).
Molecular consequence: synonymous variant.
Genome position (GRCh38, 1-based): chr2:47,803,449, C>A. VCF-style: chr2-47803449-C-A. GRCh37 (hg19) VCF-style: chr2-48030588-C-A.
Other names: c.2812C>A, p.Arg938= (NM_001281492.2); c.2296C>A, p.Arg766= (NM_001281493.2, NM_001281494.2).
Identifiers: ClinVar variation 233881 (VCV000233881.18), dbSNP rs63749843, ClinGen allele CA10578132.
Genomic context (GRCh38, chr2:47,803,449, plus strand): 5'-GAAGCCTCACTTTTACCCTCTCTTTTAACAGATGTTTTACTGTGCCTGGCTAACTATAGT[C>A]GAGGGGGTGATGGTCCTATGTGTCGCCCAGTAATTCTGTTGCCGGAAGATACCCCCCCCT-3'
Protein context (NP_000170.1, residues 1058-1078): DVLLCLANYS[Arg1068=]GGDGPMCRPV

ClinVar aggregate classification (germline): Benign/Likely benign. Review status: criteria provided, multiple submitters, no conflicts (2 of 4 stars). 5 submissions from 5 submitters: Benign (1); Likely benign (4). Last evaluated 2025-10-10.

Conditions:
Hereditary nonpolyposis colorectal neoplasms. Identifiers: MedGen C0009405, MeSH D003123.
Mismatch repair cancer syndrome 3. Identifiers: MedGen C5436807, MONDO:0030841, OMIM 619097.
Endometrial carcinoma. Also called: Endometrial carcinoma, somatic. Identifiers: MedGen C0476089, MONDO:0002447, OMIM 608089, HP:0012114.
Lynch syndrome 5 (LYNCH5). Also called: Colorectal cancer, hereditary nonpolyposis, type 5; Hereditary non-polyposis colorectal cancer, type 5. Identifiers: Orphanet 144, MedGen C1833477, MONDO:0013710, OMIM 614350. Disease mechanism: loss of function.
Hereditary cancer-predisposing syndrome. Also called: Neoplastic Syndromes, Hereditary; Tumor predisposition; Hereditary Cancer Syndrome; Hereditary neoplastic syndrome. Identifiers: Orphanet 140162, MedGen C0027672, MeSH D009386, MONDO:0015356.

gnomAD v4.1: 1 of 1,614,090 alleles (0.000062%); highest among the groups gnomAD compares: East Asian, 0.0022%; no homozygotes.

Submissions (5):

Labcorp Genetics (formerly Invitae), Labcorp
Classification: Likely benign for Hereditary nonpolyposis colorectal neoplasms. Last evaluated: 2025-10-10. Review status: criteria provided, single submitter. Criteria: Invitae Variant Classification Sherloc (09022015). Collection method: clinical testing. Allele origin: germline.

Department of Pathology and Laboratory Medicine, Sinai Health System
Classification: Likely benign for Endometrial carcinoma; Lynch syndrome 5; Mismatch repair cancer syndrome 3. Last evaluated: 2025-02-20. Review status: criteria provided, single submitter. Criteria: ACMG Guidelines, 2015. Collection method: clinical testing. Allele origin: germline.

Myriad Genetics, Inc.
Classification: Benign for Lynch syndrome 5. Last evaluated: 2025-01-03. Review status: criteria provided, single submitter. Criteria: Myriad Autosomal Dominant, Autosomal Recessive and X-Linked Classification Criteria (2023). Collection method: clinical testing. Allele origin: unknown.
Comment: This variant is considered benign. This variant is a silent/synonymous amino acid change and it is not expected to impact splicing.

Color Diagnostics, LLC DBA Color Health
Classification: Likely benign for Hereditary cancer-predisposing syndrome. Last evaluated: 2017-02-26. Review status: criteria provided, single submitter. Criteria: ACMG Guidelines, 2015. Collection method: clinical testing. Allele origin: germline.

Ambry Genetics
Classification: Likely benign for Hereditary cancer-predisposing syndrome. Last evaluated: 2015-09-14. Review status: criteria provided, single submitter. Criteria: Ambry Variant Classification Scheme 2023. Collection method: clinical testing. Allele origin: germline.